The following is an entry in ClinVar:

NM_016237.5(ANAPC5):c.1097A>G (p.Lys366Arg)

Gene: ANAPC5 (anaphase promoting complex subunit 5; minus strand). Cytogenetic location: 12q24.31.
Variant type: single nucleotide variant.
Coding change: c.1097A>G on transcript NM_016237.5 (MANE Select); coding-DNA position 1097, A replaced by G.
Protein change: p.Lys366Arg; replaces lysine 366 with arginine.
Molecular consequence: missense variant.
Genome position (GRCh38, 1-based): chr12:121,330,608, T>C on the plus strand (A>G on the coding strand, the complement: ANAPC5 is on the minus strand). VCF-style: chr12-121330608-T-C. GRCh37 (hg19) VCF-style: chr12-121768411-T-C.
Other names: c.800A>G, p.Lys267Arg (NM_001137559.1); c.1097A>G, p.Lys366Arg (NM_001330489.2); short protein forms K267R, K366R.
Identifiers: ClinVar variation 3045645 (VCV003045645.2), dbSNP rs114635317, ClinGen allele CA6835346.

ClinVar aggregate classification (germline): Likely benign (0 of 4 stars; one submission).

Conditions:
ANAPC5-related disorder. Also called: ANAPC5-related condition.

Allele frequency attached by ClinVar (database versions not stated): gnomAD exomes 0.00003; gnomAD 0.00005; TOPMed 0.00007; ExAC 0.00011; 1000 Genomes Project 30x 0.00047; 1000 Genomes Project 0.00060.
gnomAD v4.1: 61 of 1,614,104 alleles (0.0038%); highest among the groups gnomAD compares: East Asian, 0.1%; no homozygotes.

Submission:

PreventionGenetics, part of Exact Sciences
Classification: Likely benign for ANAPC5-related condition. Last evaluated: 2023-06-08. Review status: no assertion criteria provided. Collection method: clinical testing. Allele origin: germline.
Comment: This variant is classified as likely benign based on ACMG/AMP sequence variant interpretation guidelines (Richards et al. 2015 PMID: 25741868, with internal and published modifications).